The following is an entry in ClinVar:

ClinVar aggregate classification (germline): Pathogenic. Review status: criteria provided, multiple submitters, no conflicts (2 of 4 stars). 7 submissions from 7 submitters: Pathogenic (5). 2 of the submissions do not count toward it. Last evaluated 2025-03-18.

Conditions:
COX6A1-related disorder. Also called: COX6A1-related condition.
Charcot-Marie-Tooth disease recessive intermediate D. Identifiers: Orphanet 435998, MedGen C5569027, MONDO:0014467, OMIM 616039.

Submissions (7):

First Genomix Gene Laboratory, Genetic Diagnostics Department
Classification: Pathogenic for Charcot-Marie-Tooth disease recessive intermediate D. Last evaluated: 2025-03-18. Review status: criteria provided, single submitter. Criteria: ACMG Guidelines, 2015. Collection method: clinical testing. Allele origin: germline. Inheritance: Autosomal recessive inheritance. Affected: no. Observed: 1 variant allele.

3billion
Classification: Pathogenic for Charcot-Marie-Tooth disease recessive intermediate D. Last evaluated: 2024-11-19. Review status: criteria provided, single submitter. Criteria: ACMG Guidelines, 2015. Collection method: clinical testing. Allele origin: germline. Affected: yes.
Comment: The variant is observed at an extremely low frequency in the gnomAD v4.1.0 dataset (total allele frequency: 0.004%). Predicted Consequence/Location: Intron variant: previously reported to alter splicing and result in a loss of normal protein function through nonsense-mediated decay (NMD) or protein truncation (PMID: 25152455). In silico tools predict the variant to alter splicing and produce an abnormal transcript [SpliceAI: 0.46 (spliceogenicity >=0.2, non-spliceogenicity <0.1)]. Intron variant: previously reported to alter splicing and result in a loss of normal protein function through nonsense-mediated decay (NMD) or protein truncation (PMID: 25152455). Therefore, this variant is classified as Pathogenic according to the recommendation of ACMG/AMP guideline.

Labcorp Genetics (formerly Invitae), Labcorp
Classification: Pathogenic. Last evaluated: 2024-06-11. Review status: criteria provided, single submitter. Criteria: Invitae Variant Classification Sherloc (09022015). Collection method: clinical testing. Allele origin: germline.
Comment: This sequence change falls in intron 2 of the COX6A1 gene. It does not directly change the encoded amino acid sequence of the COX6A1 protein. This variant is present in population databases (rs587777783, gnomAD 0.02%). This variant has been observed in individuals with Charcot-Marie-Tooth disease (PMID: 25152455, 26302975; Invitae). It has also been observed to segregate with disease in related individuals. This variant is also known as c.247-10_247-6delCACTC. ClinVar contains an entry for this variant (Variation ID: 156370). Algorithms developed to predict the effect of sequence changes on RNA splicing suggest that this variant may disrupt the consensus splice site. For these reasons, this variant has been classified as Pathogenic.

Blueprint Genetics
Classification: Pathogenic for COX6A1-related disorders. Last evaluated: 2023-11-27. Review status: criteria provided, single submitter. Criteria: ACMG Guidelines, 2015. Collection method: clinical testing. Allele origin: germline. Affected: yes. Observed: 4 variant alleles.

Baylor Genetics
Classification: Pathogenic for Charcot-Marie-Tooth disease recessive intermediate D. Last evaluated: 2021-06-30. Review status: criteria provided, single submitter. Criteria: ACMG Guidelines, 2015. Collection method: clinical testing. Allele origin: unknown.

OMIM
Classification: Pathogenic for CHARCOT-MARIE-TOOTH DISEASE, RECESSIVE INTERMEDIATE D. Last evaluated: 2014-09-04. Review status: no assertion criteria provided. Collection method: literature only. Allele origin: germline. Not counted in ClinVar's aggregate classification.

Genomics England Pilot Project, Genomics England
Classification: Likely pathogenic for Charcot-Marie-Tooth disease recessive intermediate D. Review status: no assertion criteria provided. Criteria: ACGS Guidelines, 2016. Collection method: clinical testing. Allele origin: germline. Affected: yes. Not counted in ClinVar's aggregate classification.

Literature cited by the submitters: PubMed 25152455 (cited by 3 submitters); PubMed 26302975 (cited by Labcorp Genetics (formerly Invitae), Labcorp and OMIM).

NM_004373.4(COX6A1):c.247-7_247-3del

Gene: COX6A1 (cytochrome c oxidase subunit 6A1; plus strand). Cytogenetic location: 12q24.31.
Variant type: Deletion.
Coding change: c.247-7_247-3del on transcript NM_004373.4 (MANE Select); 7 bases into the intron before coding-DNA position 247 through 3 bases into the intron before coding-DNA position 247, 5 bases deleted (TCCAC; older notation c.247-7_247-3delTCCAC).
Molecular consequence: intron variant.
Genome position (GRCh38, 1-based): chr12:120,440,447-120,440,451, TCCAC deleted; deleting any 5 consecutive bases within chr12:120,440,444-120,440,451 gives the same sequence; the c. name uses the placement nearest the transcript's 3' end. VCF-style (leftmost placement, unchanged base first): chr12-120440443-TCACTC-T. GRCh37 (hg19) VCF-style: chr12-120878246-TCACTC-T.
Other names: c.247-7_247-3delTCCAC (NM_004373.4).
Identifiers: ClinVar variation 156370 (VCV000156370.13), dbSNP rs587777783, ClinGen allele CA170855.